The following is an entry in ClinVar:

ClinVar aggregate classification (germline): Uncertain significance. Review status: criteria provided, multiple submitters, no conflicts (2 of 4 stars). 3 submissions from 3 submitters: Uncertain significance (3). Last evaluated 2025-09-26.

Conditions:
FMN1-related disorder. Also called: FMN1-related condition.

Allele frequency attached by ClinVar (database versions not stated): gnomAD exomes 0.00002; ExAC 0.00019; TOPMed 0.00024; ESP Exome Variant Server 0.00025; gnomAD 0.00028.
gnomAD v4.1: 80 of 1,577,606 alleles (0.0051%); highest among the groups gnomAD compares: African/African-American, 0.078%; no homozygotes.

Submissions (3):

PreventionGenetics, part of Exact Sciences
Classification: Uncertain significance for FMN1-related condition. Last evaluated: 2025-09-26. Review status: criteria provided, single submitter. Criteria: ACMG Guidelines, 2015. Collection method: clinical testing. Allele origin: germline.
Comment: The FMN1 c.2581G>A variant is predicted to result in the amino acid substitution p.Val861Met. To our knowledge, this variant has not been reported in the literature. This variant is reported in 0.11% of alleles in individuals of African descent in gnomAD. Although we suspect that this variant may be benign, at this time, the clinical significance of this variant is uncertain due to the absence of conclusive functional and genetic evidence.

Labcorp Genetics (formerly Invitae), Labcorp
Classification: Uncertain significance. Last evaluated: 2024-11-29. Review status: criteria provided, single submitter. Criteria: Invitae Variant Classification Sherloc (09022015). Collection method: clinical testing. Allele origin: germline.
Comment: This sequence change replaces valine, which is neutral and non-polar, with methionine, which is neutral and non-polar, at codon 861 of the FMN1 protein (p.Val861Met). This variant is present in population databases (rs371197583, gnomAD 0.1%), and has an allele count higher than expected for a pathogenic variant. This variant has not been reported in the literature in individuals affected with FMN1-related conditions. ClinVar contains an entry for this variant (Variation ID: 2243024). An algorithm developed to predict the effect of missense changes on protein structure and function (PolyPhen-2) suggests that this variant is likely to be disruptive. In summary, the available evidence is currently insufficient to determine the role of this variant in disease. Therefore, it has been classified as a Variant of Uncertain Significance.

Ambry Genetics
Classification: Uncertain significance. Last evaluated: 2021-08-12. Review status: criteria provided, single submitter. Criteria: Ambry Variant Classification Scheme 2023. Collection method: clinical testing. Allele origin: germline.

NM_001277313.2(FMN1):c.3250G>A (p.Val1084Met)

Gene: FMN1 (formin 1; minus strand). Cytogenetic location: 15q13.3.
Variant type: single nucleotide variant.
Coding change: c.3250G>A on transcript NM_001277313.2 (MANE Select); coding-DNA position 3250, G replaced by A.
Protein change: p.Val1084Met; replaces valine 1084 with methionine.
Molecular consequence: missense variant.
Genome position (GRCh38, 1-based): chr15:32,910,512, C>T on the plus strand (G>A on the coding strand, the complement: FMN1 is on the minus strand). VCF-style: chr15-32910512-C-T. GRCh37 (hg19) VCF-style: chr15-33202713-C-T.
Other names: c.2581G>A, p.Val861Met (NM_001103184.4); c.2581G>A (NM_001103184.3); short protein forms V1084M, V861M.
Identifiers: ClinVar variation 2243024 (VCV002243024.5), dbSNP rs371197583, ClinGen allele CA7456696.